The following is an entry in ClinVar:

NM_004656.4(BAP1):c.123-16C>T

Gene: BAP1 (BRCA1 associated deubiquitinase 1; minus strand). Cytogenetic location: 3p21.1.
Variant type: single nucleotide variant.
Coding change: c.123-16C>T on transcript NM_004656.4 (MANE Select); 16 bases into the intron before coding-DNA position 123, C replaced by T.
Molecular consequence: intron variant.
Genome position (GRCh38, 1-based): chr3:52,408,622, G>A on the plus strand (C>T on the coding strand, the complement: BAP1 is on the minus strand). VCF-style: chr3-52408622-G-A. GRCh37 (hg19) VCF-style: chr3-52442638-G-A.
Other names: c.123-16C>T (NM_001410772.1).
Identifiers: ClinVar variation 3379077 (VCV003379077.3).
Genomic context (GRCh38, chr3:52,408,622, plus strand): 5'-CGCTCTTCGATCCATTTGAACAGGAAGATAAATCCATATACAGGGCTGGGGGAAGTAAGG[G>A]GCAGAGCCAGATCAGCCAAAGGGGAGAAGACAATCAGCATTCCCTTCTTTCTCCCATTAA-3'

ClinVar aggregate classification (germline): Likely benign. Review status: criteria provided, multiple submitters, no conflicts (2 of 4 stars). 2 submissions from 2 submitters: Likely benign (2). Last evaluated 2025-08-09.

Conditions:
BAP1-related tumor predisposition syndrome (TPDS1). Also called: Tumor susceptibility linked to germline BAP1 mutations; COMMON Syndrome; TUMOR PREDISPOSITION SYNDROME 1; BAP1 tumor predisposition syndrome. Identifiers: Orphanet 289539, MedGen C3280492, MONDO:0013692, OMIM 614327.

gnomAD v4.1: 1 of 1,606,362 alleles (0.000062%); highest among the groups gnomAD compares: African/African-American, 0.0013%; no homozygotes.

Submissions (2):

Labcorp Genetics (formerly Invitae), Labcorp
Classification: Likely benign for BAP1-related tumor predisposition syndrome. Last evaluated: 2025-08-09. Review status: criteria provided, single submitter. Criteria: Invitae Variant Classification Sherloc (09022015). Collection method: clinical testing. Allele origin: germline.

Myriad Genetics, Inc.
Classification: Likely benign for BAP1-related tumor predisposition syndrome. Last evaluated: 2024-07-11. Review status: criteria provided, single submitter. Criteria: Myriad Autosomal Dominant, Autosomal Recessive and X-Linked Classification Criteria (2023). Collection method: clinical testing. Allele origin: unknown.
Comment: This variant is considered likely benign. This variant is intronic and is not expected to impact mRNA splicing.